The following is an entry in ClinVar:

NM_003151.4(STAT4):c.1871del (p.Ser624fs)

Gene: STAT4 (signal transducer and activator of transcription 4; minus strand). Cytogenetic location: 2q32.2.
Variant type: Deletion.
Coding change: c.1871del on transcript NM_003151.4 (MANE Select); coding-DNA position 1871, one base deleted (C; older notation c.1871delC).
Protein change: p.Ser624fs; shifts the reading frame from serine 624.
Molecular consequence: frameshift variant.
Genome position (GRCh38, 1-based): chr2:191,033,131, G deleted on the plus strand (C on the coding strand, the reverse complement: STAT4 is on the minus strand). VCF-style (leftmost placement, unchanged base first): chr2-191033130-AG-A. GRCh37 (hg19) VCF-style: chr2-191897856-AG-A.
Other names: c.1871del, p.Ser624fs (NM_001243835.2); short protein forms S624fs.
Identifiers: ClinVar variation 2032986 (VCV002032986.4), dbSNP rs2470644378, ClinGen allele CA2577192593.

ClinVar aggregate classification (germline): Uncertain significance (1 of 4 stars; one submission).

Submission:

Labcorp Genetics (formerly Invitae), Labcorp
Classification: Uncertain significance. Last evaluated: 2022-09-27. Review status: criteria provided, single submitter. Criteria: Invitae Variant Classification Sherloc (09022015). Collection method: clinical testing. Allele origin: germline.
Comment: In summary, the available evidence is currently insufficient to determine the role of this variant in disease. Therefore, it has been classified as a Variant of Uncertain Significance. This variant has not been reported in the literature in individuals affected with STAT4-related conditions. This variant is not present in population databases (gnomAD no frequency). This sequence change creates a premature translational stop signal (p.Ser624Leufs*2) in the STAT4 gene. It is expected to result in an absent or disrupted protein product. However, the current clinical and genetic evidence is not sufficient to establish whether loss-of-function variants in STAT4 cause disease.